The following is an entry in ClinVar:

ClinVar aggregate classification (germline): Conflicting classifications of pathogenicity. Review status: criteria provided, conflicting classifications (1 of 4 stars). 5 submissions from 5 submitters: Uncertain significance (3); Likely benign (2). Last evaluated 2026-01-20.

Conditions:
Episodic ataxia type 2 (EA2). Also called: EPISODIC ATAXIA, NYSTAGMUS-ASSOCIATED; ATAXIA, EPISODIC, WITH NYSTAGMUS; ATAXIA, FAMILIAL PAROXYSMAL; CEREBELLAR ATAXIA, PAROXYSMAL, ACETAZOLAMIDE-RESPONSIVE; CEREBELLOPATHY, HEREDITARY PAROXYSMAL; ACETAZOLAMIDE-RESPONSIVE HEREDITARY PAROXYSMAL CEREBELLAR ATAXIA. Identifiers: Orphanet 97, MedGen C1720416, MONDO:0007163, OMIM 108500.
Developmental and epileptic encephalopathy, 42 (DEE42A). Also called: Epileptic encephalopathy, early infantile, 42; DEVELOPMENTAL AND EPILEPTIC ENCEPHALOPATHY 42A; EPILEPTIC ENCEPHALOPATHY, EARLY INFANTILE, 42A. Identifiers: MedGen C4310716, MONDO:0014917, OMIM 617106.
Inborn genetic diseases. Identifiers: MedGen C0950123, MeSH D030342.

Allele frequency attached by ClinVar (database versions not stated): gnomAD exomes 0.00001 and 0.00002; ExAC 0.00004; gnomAD 0.00007; ESP Exome Variant Server 0.00009; TOPMed 0.00012.
gnomAD v4.1: 28 of 1,584,078 alleles (0.0018%); highest among the groups gnomAD compares: African/African-American, 0.037%; no homozygotes.

Submissions (5):

Labcorp Genetics (formerly Invitae), Labcorp
Classification: Likely benign for Developmental and epileptic encephalopathy, 42; Episodic ataxia type 2. Last evaluated: 2026-01-20. Review status: criteria provided, single submitter. Criteria: Invitae Variant Classification Sherloc (09022015). Collection method: clinical testing. Allele origin: germline.

GeneDx
Classification: Uncertain significance. Last evaluated: 2025-06-20. Review status: criteria provided, single submitter. Criteria: GeneDx Variant Classification Process June 2021. Collection method: clinical testing. Allele origin: germline. Affected: yes.
Comment: In silico analysis supports that this missense variant has a deleterious effect on protein structure/function; Has not been previously published as pathogenic or benign to our knowledge

Athena Diagnostics
Classification: Uncertain significance. Last evaluated: 2025-01-30. Review status: criteria provided, single submitter. Criteria: Athena Diagnostics Criteria. Collection method: clinical testing. Allele origin: unknown.
Comment: Available data are insufficient to determine the clinical significance of the variant at this time. The frequency of this variant in the general population is higher than would generally be expected for pathogenic variants in this gene. Polyphen and MutationTaster yielded discordant predictions regarding whether this amino acid change is damaging to the protein.

Ambry Genetics
Classification: Likely benign for Inborn genetic diseases. Last evaluated: 2023-12-21. Review status: criteria provided, single submitter. Criteria: Ambry Variant Classification Scheme 2023. Collection method: clinical testing. Allele origin: germline.

Mayo Clinic Laboratories, Mayo Clinic
Classification: Uncertain significance. Last evaluated: 2020-12-24. Review status: criteria provided, single submitter. Criteria: ACMG Guidelines, 2015. Collection method: clinical testing. Allele origin: germline. Observed: 1 variant allele.

NM_001127222.2(CACNA1A):c.2788C>T (p.Arg930Trp)

Gene: CACNA1A (calcium voltage-gated channel subunit alpha1 A; minus strand). Cytogenetic location: 19p13.13.
Variant type: single nucleotide variant.
Coding change: c.2788C>T on transcript NM_001127222.2 (MANE Select); coding-DNA position 2788, C replaced by T.
Protein change: p.Arg930Trp; replaces arginine 930 with tryptophan.
Molecular consequence: missense variant.
Genome position (GRCh38, 1-based): chr19:13,298,845, G>A on the plus strand (C>T on the coding strand, the complement: CACNA1A is on the minus strand). VCF-style: chr19-13298845-G-A. GRCh37 (hg19) VCF-style: chr19-13409659-G-A.
Other names: c.2791C>T (NM_000068.2); c.2800C>T, p.Arg934Trp (NM_000068.4, NM_023035.3); c.2791C>T, p.Arg931Trp (NM_001127221.2, NM_001174080.2); short protein forms R931W, R934W, R930W.
Identifiers: ClinVar variation 546570 (VCV000546570.22), dbSNP rs367882437, ClinGen allele CA9240480.